The following is an entry in ClinVar:

ClinVar aggregate classification (germline): Uncertain significance (1 of 4 stars; one submission).

Conditions:
NIK deficiency. Also called: Primary immunodeficiency with multifaceted aberrant lymphoid immunity. Identifiers: Orphanet 447731, MedGen C5680065, MONDO:0018642.

Allele frequency attached by ClinVar (database versions not stated): ExAC 0.00001; gnomAD exomes 0.00001; TOPMed 0.00001.
gnomAD v4.1: 14 of 1,613,964 alleles (0.00087%); highest among the groups gnomAD compares: Admixed American, 0.0067%; no homozygotes.

Submission:

Labcorp Genetics (formerly Invitae), Labcorp
Classification: Uncertain significance for NIK deficiency. Last evaluated: 2022-05-03. Review status: criteria provided, single submitter. Criteria: Invitae Variant Classification Sherloc (09022015). Collection method: clinical testing. Allele origin: germline.
Comment: This sequence change replaces arginine, which is basic and polar, with cysteine, which is neutral and slightly polar, at codon 99 of the MAP3K14 protein (p.Arg99Cys). This variant is present in population databases (rs768000548, gnomAD 0.009%). This variant has not been reported in the literature in individuals affected with MAP3K14-related conditions. Experimental studies and prediction algorithms are not available or were not evaluated, and the functional significance of this variant is currently unknown. In summary, the available evidence is currently insufficient to determine the role of this variant in disease. Therefore, it has been classified as a Variant of Uncertain Significance.

NM_003954.5(MAP3K14):c.295C>T (p.Arg99Cys)

Gene: MAP3K14 (mitogen-activated protein kinase kinase kinase 14; minus strand). Cytogenetic location: 17q21.31.
Variant type: single nucleotide variant.
Coding change: c.295C>T on transcript NM_003954.5 (MANE Select); coding-DNA position 295, C replaced by T.
Protein change: p.Arg99Cys; replaces arginine 99 with cysteine.
Molecular consequence: missense variant.
Genome position (GRCh38, 1-based): chr17:45,289,267, G>A on the plus strand (C>T on the coding strand, the complement: MAP3K14 is on the minus strand). VCF-style: chr17-45289267-G-A. GRCh37 (hg19) VCF-style: chr17-43366633-G-A.
Other names: short protein forms R99C.
Identifiers: ClinVar variation 2059135 (VCV002059135.1), dbSNP rs768000548, ClinGen allele CA8614406.
Genomic context (GRCh38, chr17:45,289,267, plus strand): 5'-TCCCACTCAGGCTTGTCTCCCCTGCTTACCTGTACTGTTTGGACCCAGCGATGAAAATGC[G>A]TTCTGAAAAGGTGGGGCTGAACTCTTGGCTATTCTCACCTAAAGCAAAAGGAGTTGGATT-3'
Protein context (NP_003945.2, residues 89-109): SQEFSPTFSE[Arg99Cys]IFIAGSKQYS